The following is an entry in ClinVar:

ClinVar aggregate classification (germline): Uncertain significance (1 of 4 stars; one submission).

Conditions:
Hereditary cancer-predisposing syndrome. Also called: Hereditary Cancer Syndrome; Hereditary neoplastic syndrome; Neoplastic Syndromes, Hereditary; Tumor predisposition. Identifiers: Orphanet 140162, MedGen C0027672, MeSH D009386, MONDO:0015356.

Submission:

Ambry Genetics
Classification: Uncertain significance for Hereditary cancer-predisposing syndrome. Last evaluated: 2025-05-04. Review status: criteria provided, single submitter. Criteria: Ambry Variant Classification Scheme 2023. Collection method: clinical testing. Allele origin: germline.
Comment: The p.R594G variant (also known as c.1780A>G), located in coding exon 5 of the PALB2 gene, results from an A to G substitution at nucleotide position 1780. The arginine at codon 594 is replaced by glycine, an amino acid with dissimilar properties. This amino acid position is conserved. In addition, this alteration is predicted to be tolerated by in silico analysis. Based on the available evidence, the clinical significance of this variant remains unclear.

NM_024675.4(PALB2):c.1780A>G (p.Arg594Gly)

Gene: PALB2 (partner and localizer of BRCA2; minus strand). Cytogenetic location: 16p12.2.
Variant type: single nucleotide variant.
Coding change: c.1780A>G on transcript NM_024675.4 (MANE Select); coding-DNA position 1780, A replaced by G.
Protein change: p.Arg594Gly; replaces arginine 594 with glycine.
Molecular consequence: missense variant. On other transcripts: 5 prime UTR variant (2), intron variant (1).
Genome position (GRCh38, 1-based): chr16:23,630,374, T>C on the plus strand (A>G on the coding strand, the complement: PALB2 is on the minus strand). VCF-style: chr16-23630374-T-C. GRCh37 (hg19) VCF-style: chr16-23641695-T-C.
Other names: c.1720A>G, p.Arg574Gly (NM_001407296.1); c.1780A>G, p.Arg594Gly (NM_001407297.1, NM_001407298.1, NM_001407299.1 and 3 more transcripts); c.895A>G, p.Arg299Gly (NM_001407304.1, NM_001407305.1, NM_001407306.1 and 5 more transcripts); c.-9A>G (NM_001407312.1, NM_001407313.1); c.49-1099A>G (NM_001407314.1); short protein forms R574G, R299G, R594G.
Identifiers: ClinVar variation 3927441 (VCV003927441.1).
Genomic context (GRCh38, chr16:23,630,374, plus strand): 5'-ACTGAAAGTCTGTGATACTGAGAAAAGACAGTAGTTGCTTTAAACTCAGCATTCCATCCC[T>C]ATGAAATGGAGCCGTGAAAGCATCATCATCCAAGGATAAATAAGCACTATTACTCCAAGA-3'
Protein context (NP_078951.2, residues 584-604): DDDAFTAPFH[Arg594Gly]DGMLSLKQLL